The following is an entry in ClinVar:

ClinVar aggregate classification (germline): Conflicting classifications of pathogenicity. Review status: criteria provided, conflicting classifications (1 of 4 stars). 2 submissions from 2 submitters: Uncertain significance (1); Likely benign (1). Last evaluated 2026-01-12.

Allele frequency attached by ClinVar (database versions not stated): TOPMed below 0.00001; ExAC 0.00001.
gnomAD v4.1: 8 of 1,612,576 alleles (0.0005%); highest among the groups gnomAD compares: Non-Finnish European, 0.00059%; no homozygotes.

Submissions (2):

Labcorp Genetics (formerly Invitae), Labcorp
Classification: Uncertain significance. Last evaluated: 2026-01-12. Review status: criteria provided, single submitter. Criteria: Invitae Variant Classification Sherloc (09022015). Collection method: clinical testing. Allele origin: germline.
Comment: This sequence change falls in intron 22 of the CACNA2D4 gene. It does not directly change the encoded amino acid sequence of the CACNA2D4 protein. It affects a nucleotide within the consensus splice site. This variant is present in population databases (rs774155284, gnomAD 0.0009%). This variant has not been reported in the literature in individuals affected with CACNA2D4-related conditions. ClinVar contains an entry for this variant (Variation ID: 1909629). Variants that disrupt the consensus splice site are a relatively common cause of aberrant splicing (PMID: 17576681, 9536098). Algorithms developed to predict the effect of sequence changes on RNA splicing suggest that this variant is not likely to affect RNA splicing. In summary, the available evidence is currently insufficient to determine the role of this variant in disease. Therefore, it has been classified as a Variant of Uncertain Significance.

Blueprint Genetics
Classification: Likely benign. Last evaluated: 2024-02-13. Review status: criteria provided, single submitter. Criteria: ACMG Guidelines, 2015. Collection method: clinical testing. Allele origin: germline.

Literature cited by the submitters: PubMed 17576681 (cited by Labcorp Genetics (formerly Invitae), Labcorp); PubMed 9536098 (cited by Labcorp Genetics (formerly Invitae), Labcorp).

NM_172364.5(CACNA2D4):c.2152+3G>A

Gene: CACNA2D4 (calcium voltage-gated channel auxiliary subunit alpha2delta 4; minus strand). Cytogenetic location: 12p13.33.
Variant type: single nucleotide variant.
Coding change: c.2152+3G>A on transcript NM_172364.5 (MANE Select); 3 bases into the intron after coding-DNA position 2152, G replaced by A.
Molecular consequence: intron variant.
Genome position (GRCh38, 1-based): chr12:1,856,009, C>T on the plus strand (G>A on the coding strand, the complement: CACNA2D4 is on the minus strand). VCF-style: chr12-1856009-C-T. GRCh37 (hg19) VCF-style: chr12-1965175-C-T.
Identifiers: ClinVar variation 1909629 (VCV001909629.6), dbSNP rs774155284, ClinGen allele CA6386837.